The following is an entry in ClinVar:

NM_005751.5(AKAP9):c.9533C>T (p.Thr3178Ile)

Gene: AKAP9 (A-kinase anchoring protein 9; plus strand). Cytogenetic location: 7q21.2.
Variant type: single nucleotide variant.
Coding change: c.9533C>T on transcript NM_005751.5 (MANE Select); coding-DNA position 9533, C replaced by T.
Protein change: p.Thr3178Ile; replaces threonine 3178 with isoleucine.
Molecular consequence: missense variant.
Genome position (GRCh38, 1-based): chr7:92,093,271, C>T. VCF-style: chr7-92093271-C-T. GRCh37 (hg19) VCF-style: chr7-91722585-C-T.
Other names: c.4178C>T, p.Thr1393Ile (NM_001379277.1); c.9509C>T, p.Thr3170Ile (NM_147185.3); short protein forms T1393I, T3170I, T3178I.
Identifiers: ClinVar variation 4804670 (VCV004804670.1).

ClinVar aggregate classification (germline): Uncertain significance (1 of 4 stars; one submission).

Conditions:
Long QT syndrome (LQTS). Identifiers: MedGen C0023976, MeSH D008133, MONDO:0002442. Disease mechanism: loss of function. Inheritance: Various modes of inheritance.

gnomAD v4.1: 3 of 1,614,098 alleles (0.00019%); highest among the groups gnomAD compares: East Asian, 0.0022%; no homozygotes.

Submission:

Labcorp Genetics (formerly Invitae), Labcorp
Classification: Uncertain significance for Long QT syndrome. Last evaluated: 2025-10-25. Review status: criteria provided, single submitter. Criteria: Invitae Variant Classification Sherloc (09022015). Collection method: clinical testing. Allele origin: germline.
Comment: This sequence change replaces threonine, which is neutral and polar, with isoleucine, which is neutral and non-polar, at codon 3178 of the AKAP9 protein (p.Thr3178Ile). This variant is not present in population databases (gnomAD no frequency). This variant has not been reported in the literature in individuals affected with AKAP9-related conditions. An algorithm developed to predict the effect of missense changes on protein structure and function (PolyPhen-2) suggests that this variant is likely to be disruptive. In summary, the available evidence is currently insufficient to determine the role of this variant in disease. Therefore, it has been classified as a Variant of Uncertain Significance.